The following is an entry in ClinVar:

NM_001349253.2(SCN11A):c.1686G>C (p.Gln562His)

Gene: SCN11A (sodium voltage-gated channel alpha subunit 11; minus strand). Cytogenetic location: 3p22.2.
Variant type: single nucleotide variant.
Coding change: c.1686G>C on transcript NM_001349253.2 (MANE Select); coding-DNA position 1686, G replaced by C.
Protein change: p.Gln562His; replaces glutamine 562 with histidine.
Molecular consequence: missense variant.
Genome position (GRCh38, 1-based): chr3:38,904,021, C>G on the plus strand (G>C on the coding strand, the complement: SCN11A is on the minus strand). VCF-style: chr3-38904021-C-G. GRCh37 (hg19) VCF-style: chr3-38945512-C-G.
Other names: c.1686G>C, p.Gln562His (NM_014139.3); short protein forms Q562H.
Identifiers: ClinVar variation 2937052 (VCV002937052.3), dbSNP rs761329100, ClinGen allele CA352164750.

ClinVar aggregate classification (germline): Uncertain significance (1 of 4 stars; one submission).

Conditions:
Familial episodic pain syndrome with predominantly lower limb involvement. Also called: Episodic pain syndrome, familial, 3. Identifiers: Orphanet 391384, Orphanet 391392, MedGen C3809899, MONDO:0014247, OMIM 615552.
Hereditary sensory and autonomic neuropathy type 7. Also called: HSAN VII; Neuropathy, hereditary sensory and autonomic, type VII. Identifiers: Orphanet 391397, MedGen C3809882, MONDO:0014244, OMIM 615548.

gnomAD v4.1: 10 of 1,612,250 alleles (0.00062%); highest among the groups gnomAD compares: Non-Finnish European, 0.00085%; no homozygotes.

Submission:

Labcorp Genetics (formerly Invitae), Labcorp
Classification: Uncertain significance for Familial episodic pain syndrome with predominantly lower limb involvement; Hereditary sensory and autonomic neuropathy type 7. Last evaluated: 2023-01-31. Review status: criteria provided, single submitter. Criteria: Invitae Variant Classification Sherloc (09022015). Collection method: clinical testing. Allele origin: germline.
Comment: This variant has not been reported in the literature in individuals affected with SCN11A-related conditions. This variant is not present in population databases (gnomAD no frequency). This sequence change replaces glutamine, which is neutral and polar, with histidine, which is basic and polar, at codon 562 of the SCN11A protein (p.Gln562His). Advanced modeling of protein sequence and biophysical properties (such as structural, functional, and spatial information, amino acid conservation, physicochemical variation, residue mobility, and thermodynamic stability) performed at Invitae indicates that this missense variant is not expected to disrupt SCN11A protein function. In summary, the available evidence is currently insufficient to determine the role of this variant in disease. Therefore, it has been classified as a Variant of Uncertain Significance.